The following is an entry in ClinVar:

NM_002582.4(PARN):c.1263-11_1269del

Gene: PARN (poly(A)-specific ribonuclease; minus strand). Cytogenetic location: 16p13.12.
Variant type: Deletion.
Coding change: c.1263-11_1269del on transcript NM_002582.4 (MANE Select); 11 bases into the intron before coding-DNA position 1263 through coding-DNA position 1269, 18 bases deleted (TCTTCTTGTAGGTTATTT).
Molecular consequence: splice acceptor variant.
Genome position (GRCh38, 1-based): chr16:14,555,703-14,555,720, AAATAACCTACAAGAAGA deleted on the plus strand (TCTTCTTGTAGGTTATTT on the coding strand, the reverse complement: PARN is on the minus strand); deleting any 18 consecutive bases within chr16:14,555,703-14,555,723 gives the same sequence; the c. name uses the placement nearest the transcript's 3' end. VCF-style (leftmost placement, unchanged base first): chr16-14555702-GAAATAACCTACAAGAAGA-G. GRCh37 (hg19) VCF-style: chr16-14649559-GAAATAACCTACAAGAAGA-G.
Other names: c.1080-11_1086del (NM_001134477.3); c.1125-11_1131del (NM_001242992.2).
Identifiers: ClinVar variation 1482244 (VCV001482244.6), dbSNP rs2151711045, ClinGen allele CA2573151876.
Genomic context (GRCh38, chr16:14,555,702, plus strand): 5'-AAATTTACTTACAGTCTGGTCCTTCCAAGTTTAGATAGGGGATATCCATGACCCTCATAA[GAAATAACCTACAAGAAGA>G]AAAGACAAACAAGTAATGGGCAATTTCCTTTAAAAGACAGGCATTTTGCATTTTTAAGGT-3'

ClinVar aggregate classification (germline): Likely pathogenic (1 of 4 stars; one submission).

Conditions:
Dyskeratosis congenita, autosomal recessive 6 (DKCB6). Identifiers: MedGen C4225356, MONDO:0014600, OMIM 616353.
Pulmonary fibrosis and/or bone marrow failure, Telomere-related, 4. Also called: PULMONARY FIBROSIS AND/OR BONE MARROW FAILURE SYNDROME, TELOMERE-RELATED, 4. Identifiers: Orphanet 2032, MedGen C4225347, MONDO:0014612, OMIM 616371.

Submission:

Labcorp Genetics (formerly Invitae), Labcorp
Classification: Likely pathogenic for Dyskeratosis congenita, autosomal recessive 6; Pulmonary fibrosis and/or bone marrow failure, Telomere-related, 4. Last evaluated: 2020-12-31. Review status: criteria provided, single submitter. Criteria: Invitae Variant Classification Sherloc (09022015). Collection method: clinical testing. Allele origin: germline.
Comment: This variant results in the deletion of part of exon 19 (c.1263-11_1269del) of the PARN gene. It is expected to disrupt RNA splicing. Variants that disrupt the donor or acceptor splice site typically lead to a loss of protein function (PMID: 16199547), and loss-of-function variants in PARN are known to be pathogenic (PMID: 9736620, 25848748, 26810774). In summary, the currently available evidence indicates that the variant is pathogenic, but additional data are needed to prove that conclusively. Therefore, this variant has been classified as Likely Pathogenic. Algorithms developed to predict the effect of sequence changes on RNA splicing suggest that this variant may disrupt the consensus splice site, but this prediction has not been confirmed by published transcriptional studies. This variant has not been reported in the literature in individuals with PARN-related conditions. This variant is not present in population databases (ExAC no frequency).

Literature cited by the submitters: PubMed 16199547; PubMed 9736620; PubMed 25848748; PubMed 26810774.